The following is an entry in ClinVar:

ClinVar aggregate classification (germline): Likely pathogenic (1 of 4 stars; one submission).

Submission:

CeGaT Center for Human Genetics Tuebingen
Classification: Likely pathogenic. Last evaluated: 2025-02-01. Review status: criteria provided, single submitter. Criteria: CeGaT Center For Human Genetics Tuebingen Variant Classification Criteria Version 2. Collection method: clinical testing. Allele origin: germline. Affected: yes. Observed: 1 variant allele.
Comment: TYR: PM1, PM2, PM3:Supporting, PP4

NM_000372.5(TYR):c.601G>A (p.Ala201Thr)

Gene: TYR (tyrosinase; plus strand). Cytogenetic location: 11q14.3.
Variant type: single nucleotide variant.
Coding change: c.601G>A on transcript NM_000372.5 (MANE Select); coding-DNA position 601, G replaced by A.
Protein change: p.Ala201Thr; replaces alanine 201 with threonine.
Molecular consequence: missense variant.
Genome position (GRCh38, 1-based): chr11:89,178,554, G>A. VCF-style: chr11-89178554-G-A. GRCh37 (hg19) VCF-style: chr11-88911722-G-A.
Other names: short protein forms A201T.
Identifiers: ClinVar variation 3772423 (VCV003772423.13).